The following is an entry in ClinVar:

ClinVar aggregate classification (germline): Uncertain significance. Review status: criteria provided, multiple submitters, no conflicts (2 of 4 stars). 2 submissions from 2 submitters: Uncertain significance (2). Last evaluated 2025-01-01.

Conditions:
Hereditary breast ovarian cancer syndrome. Also called: BRCA1- and BRCA2-Associated Hereditary Breast and Ovarian Cancer; Hereditary breast and ovarian cancer syndrome (HBOC); Hereditary breast and ovarian cancer syndrome; Breast and ovarian cancer; Hereditary breast and/or ovarian cancer syndrome; Hereditary breast and ovarian cancer. Identifiers: Orphanet 145, MedGen C0677776, MeSH D061325, MONDO:0003582. Disease mechanism: loss of function.
Hereditary cancer-predisposing syndrome. Also called: Neoplastic Syndromes, Hereditary; Hereditary Cancer Syndrome; Hereditary neoplastic syndrome; Tumor predisposition. Identifiers: Orphanet 140162, MedGen C0027672, MeSH D009386, MONDO:0015356.

Allele frequency attached by ClinVar (database versions not stated): gnomAD exomes below 0.00001.
gnomAD v4.1: 1 of 1,613,806 alleles (0.000062%); highest among the groups gnomAD compares: African/African-American, 0.0013%; no homozygotes.

Submissions (2):

Labcorp Genetics (formerly Invitae), Labcorp
Classification: Uncertain significance for Hereditary breast ovarian cancer syndrome. Last evaluated: 2025-01-01. Review status: criteria provided, single submitter. Criteria: Invitae Variant Classification Sherloc (09022015). Collection method: clinical testing. Allele origin: germline.
Comment: This sequence change replaces glutamic acid, which is acidic and polar, with glutamine, which is neutral and polar, at codon 3367 of the BRCA2 protein (p.Glu3367Gln). This variant is not present in population databases (gnomAD no frequency). This variant has not been reported in the literature in individuals affected with BRCA2-related conditions. ClinVar contains an entry for this variant (Variation ID: 2566030). Invitae Evidence Modeling of protein sequence and biophysical properties (such as structural, functional, and spatial information, amino acid conservation, physicochemical variation, residue mobility, and thermodynamic stability) indicates that this missense variant is not expected to disrupt BRCA2 protein function with a negative predictive value of 95%. In summary, the available evidence is currently insufficient to determine the role of this variant in disease. Therefore, it has been classified as a Variant of Uncertain Significance.

Ambry Genetics
Classification: Uncertain significance for Hereditary cancer-predisposing syndrome. Last evaluated: 2023-05-08. Review status: criteria provided, single submitter. Criteria: Ambry Variant Classification Scheme 2023. Collection method: clinical testing. Allele origin: germline.
Comment: The p.E3367Q variant (also known as c.10099G>C), located in coding exon 26 of the BRCA2 gene, results from a G to C substitution at nucleotide position 10099. The glutamic acid at codon 3367 is replaced by glutamine, an amino acid with highly similar properties. This amino acid position is conserved. In addition, this alteration is predicted to be tolerated by in silico analysis. Since supporting evidence is limited at this time, the clinical significance of this alteration remains unclear.

NM_000059.4(BRCA2):c.10099G>C (p.Glu3367Gln)

Gene: BRCA2 (BRCA2 DNA repair associated; plus strand). Cytogenetic location: 13q13.1.
Variant type: single nucleotide variant.
Coding change: c.10099G>C on transcript NM_000059.4 (MANE Select); coding-DNA position 10099, G replaced by C.
Protein change: p.Glu3367Gln; replaces glutamic acid 3367 with glutamine.
Molecular consequence: missense variant. On other transcripts: non-coding transcript variant (1).
Genome position (GRCh38, 1-based): chr13:32,398,612, G>C. VCF-style: chr13-32398612-G-C. GRCh37 (hg19) VCF-style: chr13-32972749-G-C.
Other names: c.10003G>C, p.Glu3335Gln (NM_001406719.1); c.10048G>C, p.Glu3350Gln (NM_001406720.1); c.5167G>C, p.Glu1723Gln (NM_001406721.1); c.3682G>C, p.Glu1228Gln (NM_001406722.1); short protein forms E1228Q, E1723Q, E3350Q, E3367Q, E3335Q.
Identifiers: ClinVar variation 2566030 (VCV002566030.4), dbSNP rs867104811, ClinGen allele CA387767996.